The following is an entry in ClinVar:

NM_000088.4(COL1A1):c.2028+39C>T

Gene: COL1A1 (collagen type I alpha 1 chain; minus strand). Cytogenetic location: 17q21.33.
Variant type: single nucleotide variant.
Coding change: c.2028+39C>T on transcript NM_000088.4 (MANE Select); 39 bases into the intron after coding-DNA position 2028, C replaced by T.
Molecular consequence: intron variant.
Genome position (GRCh38, 1-based): chr17:50,191,941, G>A on the plus strand (C>T on the coding strand, the complement: COL1A1 is on the minus strand). VCF-style: chr17-50191941-G-A. GRCh37 (hg19) VCF-style: chr17-48269302-G-A.
Identifiers: ClinVar variation 674805 (VCV000674805.6), dbSNP rs2857396, ClinGen allele CA8644957.

ClinVar aggregate classification (germline): Benign. Review status: criteria provided, multiple submitters, no conflicts (2 of 4 stars). 8 submissions from 4 submitters: Benign (8). Last evaluated 2026-09-21.

Conditions:
Osteogenesis imperfecta with normal sclerae, dominant form (OI4). Also called: OSTEOGENESIS IMPERFECTA, TYPE IV, WITH DENTINOGENESIS IMPERFECTA; Osteogenesis Imperfecta Type IV; OSTEOGENESIS IMPERFECTA WITH NORMAL SCLERAE; Common Variable Osteogenesis Imperfecta with Normal Sclerae; Osteogenesis imperfecta type 4. Identifiers: Orphanet 216820, Orphanet 666, MedGen C0268363, MONDO:0008148, OMIM 166220.
Osteogenesis imperfecta, perinatal lethal (OI2). Also called: Osteogenesis imperfecta, dominant perinatal lethal; OSTEOGENESIS IMPERFECTA, TYPE II; OI, TYPE II; OSTEOGENESIS IMPERFECTA CONGENITA; VROLIK TYPE OF OSTEOGENESIS IMPERFECTA; Osteogenesis imperfecta type 2. Identifiers: Orphanet 216804, MedGen C0268358, MONDO:0008147, OMIM 166210.
Osteogenesis imperfecta type I (OI1). Also called: Lobstein's Disease; Lobstein disease; OI, TYPE I; OSTEOGENESIS IMPERFECTA TARDA; OSTEOGENESIS IMPERFECTA WITH BLUE SCLERAE; Classic Non-deforming Osteogenesis Imperfecta with Blue Sclerae. Identifiers: Orphanet 216796, Orphanet 666, MedGen C0023931, MONDO:0008146, OMIM 166200. Disease mechanism: loss of function.
Osteogenesis imperfecta type III (OI3). Also called: Osteogenesis imperfecta type 3; OI type 3; Osteogenesis imperfecta, progressively deforming with normal sclerae; OI type III; Progressively Deforming Osteogenesis Imperfecta. Identifiers: Orphanet 216812, Orphanet 666, MedGen C0268362, MONDO:0009804, OMIM 259420.
Ehlers-Danlos syndrome, arthrochalasia type. Also called: ARTHROCHALASIS MULTIPLEX CONGENITA; EDS VII, MUTANT PROCOLLAGEN TYPE; EDS VIIA; Ehlers-Danlos syndrome, arthrochalasia type, 1; Ehlers-Danlos syndrome, arthrochalasis type. Identifiers: Orphanet 1899, Orphanet 99875, Orphanet 99876, MedGen C4551623, MONDO:0007525, OMIM 130060.

Allele frequency attached by ClinVar (database versions not stated): gnomAD 0.85962 and 0.86241; ExAC 0.87350; ESP Exome Variant Server 0.85107; TOPMed 0.86867; 1000 Genomes Project 0.90835; 1000 Genomes Project 30x 0.90974; gnomAD exomes 0.84226 and 0.86941.
gnomAD v4.1: 1,359,462 of 1,609,862 alleles (84%); highest among the groups gnomAD compares: East Asian, 99%; 575,076 homozygotes.

Submissions (8):

Molecular Diagnostic Laboratory for Inherited Cardiovascular Disease, Montreal Heart Institute
Classification: Benign. Last evaluated: 2026-09-21. Review status: criteria provided, single submitter. Criteria: ACMG Guidelines, 2015. Collection method: clinical testing. Allele origin: germline. Affected: no.

Genome-Nilou Lab
Classification: Benign for Ehlers-Danlos syndrome, arthrochalasia type. Last evaluated: 2021-07-22. Review status: criteria provided, single submitter. Criteria: ACMG Guidelines, 2015. Collection method: clinical testing. Allele origin: germline. Affected: no.

Genome-Nilou Lab
Classification: Benign for Osteogenesis imperfecta type I. Last evaluated: 2021-07-22. Review status: criteria provided, single submitter. Criteria: ACMG Guidelines, 2015. Collection method: clinical testing. Allele origin: germline. Affected: no.

Genome-Nilou Lab
Classification: Benign for Osteogenesis imperfecta, perinatal lethal. Last evaluated: 2021-07-22. Review status: criteria provided, single submitter. Criteria: ACMG Guidelines, 2015. Collection method: clinical testing. Allele origin: germline. Affected: no.

Genome-Nilou Lab
Classification: Benign for Osteogenesis imperfecta type III. Last evaluated: 2021-07-22. Review status: criteria provided, single submitter. Criteria: ACMG Guidelines, 2015. Collection method: clinical testing. Allele origin: germline. Affected: no.

Genome-Nilou Lab
Classification: Benign for Osteogenesis imperfecta with normal sclerae, dominant form. Last evaluated: 2021-07-22. Review status: criteria provided, single submitter. Criteria: ACMG Guidelines, 2015. Collection method: clinical testing. Allele origin: germline. Affected: no.

GeneDx
Classification: Benign. Last evaluated: 2018-06-14. Review status: criteria provided, single submitter. Criteria: GeneDx Variant Classification (06012015). Collection method: clinical testing. Allele origin: germline. Affected: yes.
Comment: This variant is considered likely benign or benign based on one or more of the following criteria: it is a conservative change, it occurs at a poorly conserved position in the protein, it is predicted to be benign by multiple in silico algorithms, and/or has population frequency not consistent with disease.

Breakthrough Genomics
Classification: Benign. Review status: criteria provided, single submitter. Criteria: ACMG Guidelines, 2015. Collection method: not provided. Allele origin: germline. Inheritance: Autosomal dominant inheritance. Affected: yes.